The following is an entry in ClinVar:

ClinVar aggregate classification (germline): Uncertain significance (0 of 4 stars; one submission).

Conditions:
PIEZO1-related disorder. Also called: PIEZO1-related condition; PIEZO1-Related Disorders.

Allele frequency attached by ClinVar (database versions not stated): gnomAD exomes below 0.00001; TOPMed below 0.00001.
gnomAD v4.1: 3 of 1,550,200 alleles (0.00019%); highest among the groups gnomAD compares: Non-Finnish European, 0.00017%; no homozygotes.

Submission:

PreventionGenetics, part of Exact Sciences
Classification: Uncertain significance for PIEZO1-related condition. Last evaluated: 2023-12-15. Review status: no assertion criteria provided. Collection method: clinical testing. Allele origin: germline.
Comment: The PIEZO1 c.5108C>T variant is predicted to result in the amino acid substitution p.Ala1703Val. To our knowledge, this variant has not been reported in the literature. This variant is reported in 0.0017% of alleles in individuals of European (Non-Finnish) descent in gnomAD. At this time, the clinical significance of this variant is uncertain due to the absence of conclusive functional and genetic evidence.

NM_001142864.4(PIEZO1):c.5108C>T (p.Ala1703Val)

Gene: PIEZO1 (piezo type mechanosensitive ion channel component 1 (Er blood group); minus strand). Cytogenetic location: 16q24.3.
Variant type: single nucleotide variant.
Coding change: c.5108C>T on transcript NM_001142864.4 (MANE Select); coding-DNA position 5108, C replaced by T.
Protein change: p.Ala1703Val; replaces alanine 1703 with valine.
Molecular consequence: missense variant.
Genome position (GRCh38, 1-based): chr16:88,721,914, G>A on the plus strand (C>T on the coding strand, the complement: PIEZO1 is on the minus strand). VCF-style: chr16-88721914-G-A. GRCh37 (hg19) VCF-style: chr16-88788322-G-A.
Other names: c.3650C>T, p.Ala1217Val (NM_014745.1); short protein forms A1217V, A1703V.
Identifiers: ClinVar variation 3030060 (VCV003030060.2), dbSNP rs1210800407, ClinGen allele CA397093365.